The following is an entry in ClinVar:

NM_000260.4(MYO7A):c.2320A>G (p.Ile774Val)

Gene: MYO7A (myosin VIIA; plus strand). Cytogenetic location: 11q13.5.
Variant type: single nucleotide variant.
Coding change: c.2320A>G on transcript NM_000260.4 (MANE Select); coding-DNA position 2320, A replaced by G.
Protein change: p.Ile774Val; replaces isoleucine 774 with valine.
Molecular consequence: missense variant.
Genome position (GRCh38, 1-based): chr11:77,179,082, A>G. VCF-style: chr11-77179082-A-G. GRCh37 (hg19) VCF-style: chr11-76890128-A-G.
Other names: c.2320A>G, p.Ile774Val (NM_001127180.2); c.2287A>G, p.Ile763Val (NM_001369365.1); short protein forms I774V, I763V.
Identifiers: ClinVar variation 3003240 (VCV003003240.3), dbSNP rs1353030414, ClinGen allele CA381940908.
Genomic context (GRCh38, chr11:77,179,082, plus strand): 5'-CCGCGCCACTACTGCTGTTTCAGGTCTAACTTTCTGAAGCTGAAGAACGCTGCCACACTG[A>G]TCCAGAGGCACTGGCGGGGTCACAACTGTAGGAAGAACTACGGGCTGGTGAGCCTCCCCA-3'
Protein context (NP_000251.3, residues 764-784): FLKLKNAATL[Ile774Val]QRHWRGHNCR

ClinVar aggregate classification (germline): Uncertain significance (1 of 4 stars; one submission).

Allele frequency attached by ClinVar (database versions not stated): TOPMed 0.00001.
gnomAD v4.1: 1 of 1,609,606 alleles (0.000062%); no homozygotes.

Submission:

Labcorp Genetics (formerly Invitae), Labcorp
Classification: Uncertain significance. Last evaluated: 2024-12-26. Review status: criteria provided, single submitter. Criteria: Invitae Variant Classification Sherloc (09022015). Collection method: clinical testing. Allele origin: germline.
Comment: This sequence change replaces isoleucine, which is neutral and non-polar, with valine, which is neutral and non-polar, at codon 774 of the MYO7A protein (p.Ile774Val). This variant is not present in population databases (gnomAD no frequency). This variant has not been reported in the literature in individuals affected with MYO7A-related conditions. ClinVar contains an entry for this variant (Variation ID: 3003240). Invitae Evidence Modeling of protein sequence and biophysical properties (such as structural, functional, and spatial information, amino acid conservation, physicochemical variation, residue mobility, and thermodynamic stability) indicates that this missense variant is not expected to disrupt MYO7A protein function with a negative predictive value of 95%. In summary, the available evidence is currently insufficient to determine the role of this variant in disease. Therefore, it has been classified as a Variant of Uncertain Significance.